The following is an entry in ClinVar:

ClinVar aggregate classification (germline): Uncertain significance (1 of 4 stars; one submission).

Conditions:
ALG1-congenital disorder of glycosylation. Also called: CDG Ik; CONGENITAL DISORDER OF GLYCOSYLATION, TYPE Ik; ALG1-CDG. Identifiers: Orphanet 79327, MedGen C2931005, MONDO:0012052, OMIM 608540.

Allele frequency attached by ClinVar (database versions not stated): TOPMed below 0.00001; gnomAD 0.00001.
gnomAD v4.1: 3 of 1,596,646 alleles (0.00019%); highest among the groups gnomAD compares: Non-Finnish European, 0.00026%; no homozygotes.

Submission:

Labcorp Genetics (formerly Invitae), Labcorp
Classification: Uncertain significance for ALG1-congenital disorder of glycosylation. Last evaluated: 2022-03-19. Review status: criteria provided, single submitter. Criteria: Invitae Variant Classification Sherloc (09022015). Collection method: clinical testing. Allele origin: germline.
Comment: This sequence change replaces alanine, which is neutral and non-polar, with threonine, which is neutral and polar, at codon 57 of the ALG1 protein (p.Ala57Thr). This variant is not present in population databases (gnomAD no frequency). This variant has not been reported in the literature in individuals affected with ALG1-related conditions. Advanced modeling of protein sequence and biophysical properties (such as structural, functional, and spatial information, amino acid conservation, physicochemical variation, residue mobility, and thermodynamic stability) performed at Invitae indicates that this missense variant is expected to disrupt ALG1 protein function. In summary, the available evidence is currently insufficient to determine the role of this variant in disease. Therefore, it has been classified as a Variant of Uncertain Significance.

NM_019109.5(ALG1):c.169G>A (p.Ala57Thr)

Genes: ALG1 (ALG1 chitobiosyldiphosphodolichol beta-mannosyltransferase; plus strand), LOC130058384 (ATAC-STARR-seq lymphoblastoid active region 10349; plus strand). Cytogenetic location: 16p13.3.
Variant type: single nucleotide variant.
Coding change: c.169G>A on transcript NM_019109.5 (MANE Select); coding-DNA position 169, G replaced by A.
Protein change: p.Ala57Thr; replaces alanine 57 with threonine.
Molecular consequence: missense variant.
Genome position (GRCh38, 1-based): chr16:5,072,018, G>A. VCF-style: chr16-5072018-G-A. GRCh37 (hg19) VCF-style: chr16-5122019-G-A.
Other names: short protein forms A57T.
Identifiers: ClinVar variation 1946626 (VCV001946626.2), dbSNP rs1567165598, ClinGen allele CA394678707.